The following is an entry in ClinVar:

ClinVar aggregate classification (germline): Uncertain significance (1 of 4 stars; one submission).

Conditions:
Landau-Kleffner syndrome (FESD). Also called: EPILEPSY, FOCAL, WITH SPEECH DISORDER AND WITH OR WITHOUT MENTAL RETARDATION; APHASIA, ACQUIRED, WITH EPILEPSY. Identifiers: Orphanet 1945, Orphanet 725, Orphanet 98818, MedGen C0282512, MONDO:0009509, OMIM 245570.

Submission:

Labcorp Genetics (formerly Invitae), Labcorp
Classification: Uncertain significance for Landau-Kleffner syndrome. Last evaluated: 2024-02-20. Review status: criteria provided, single submitter. Criteria: Invitae Variant Classification Sherloc (09022015). Collection method: clinical testing. Allele origin: germline.
Comment: This sequence change replaces valine, which is neutral and non-polar, with isoleucine, which is neutral and non-polar, at codon 639 of the GRIN2A protein (p.Val639Ile). This variant is not present in population databases (gnomAD no frequency). This variant has not been reported in the literature in individuals affected with GRIN2A-related conditions. ClinVar contains an entry for this variant (Variation ID: 1498958). Advanced modeling of protein sequence and biophysical properties (such as structural, functional, and spatial information, amino acid conservation, physicochemical variation, residue mobility, and thermodynamic stability) performed at Invitae indicates that this missense variant is expected to disrupt GRIN2A protein function with a positive predictive value of 95%. In summary, the available evidence is currently insufficient to determine the role of this variant in disease. Therefore, it has been classified as a Variant of Uncertain Significance.

NM_001134407.3(GRIN2A):c.1915G>A (p.Val639Ile)

Gene: GRIN2A (glutamate ionotropic receptor NMDA type subunit 2A; minus strand). Cytogenetic location: 16p13.2.
Variant type: single nucleotide variant.
Coding change: c.1915G>A on transcript NM_001134407.3 (MANE Select); coding-DNA position 1915, G replaced by A.
Protein change: p.Val639Ile; replaces valine 639 with isoleucine.
Molecular consequence: missense variant.
Genome position (GRCh38, 1-based): chr16:9,829,515, C>T on the plus strand (G>A on the coding strand, the complement: GRIN2A is on the minus strand). VCF-style: chr16-9829515-C-T. GRCh37 (hg19) VCF-style: chr16-9923372-C-T.
Other names: c.1915G>A, p.Val639Ile (NM_000833.5, NM_001134408.2); short protein forms V639I.
Identifiers: ClinVar variation 1498958 (VCV001498958.8), dbSNP rs2141312498, ClinGen allele CA394799426.
Genomic context (GRCh38, chr16:9,829,515, plus strand): 5'-CAAATTCCTCTTGGATCATGAAGGCAGCCAGATTGGCTGTGTAGCTAGCCAGGAATATGA[C>T]AGCGAAGAAGGCCCATACAGATACCATGATCTTGCTGGTGGTCCCTTTAGGATTCTGGAC-3'
Protein context (NP_001127879.1, residues 629-649): IMVSVWAFFA[Val639Ile]IFLASYTANL